The following is an entry in ClinVar:

NM_016556.4(PSMC3IP):c.323G>A (p.Arg108His)

Gene: PSMC3IP (PSMC3 interacting protein; minus strand). Cytogenetic location: 17q21.2.
Variant type: single nucleotide variant.
Coding change: c.323G>A on transcript NM_016556.4 (MANE Select); coding-DNA position 323, G replaced by A.
Protein change: p.Arg108His; replaces arginine 108 with histidine.
Molecular consequence: missense variant. On other transcripts: non-coding transcript variant (1).
Genome position (GRCh38, 1-based): chr17:42,574,113, C>T on the plus strand (G>A on the coding strand, the complement: PSMC3IP is on the minus strand). VCF-style: chr17-42574113-C-T. GRCh37 (hg19) VCF-style: chr17-40726131-C-T.
Other names: c.134G>A, p.Arg45His (NM_001256014.2); c.86G>A, p.Arg29His (NM_001256015.2, NM_001256016.2); c.323G>A, p.Arg108His (NM_013290.7); short protein forms R29H, R108H, R45H.
Identifiers: ClinVar variation 779975 (VCV000779975.13), dbSNP rs146056067, ClinGen allele CA8579041.

ClinVar aggregate classification (germline): Likely benign. Review status: criteria provided, multiple submitters, no conflicts (2 of 4 stars). 3 submissions from 3 submitters: Likely benign (2). 1 of the submissions does not count toward it. Last evaluated 2025-10-27.

Conditions:
PSMC3IP-related disorder. Also called: PSMC3IP-related condition.

Allele frequency attached by ClinVar (database versions not stated): 1000 Genomes Project 30x 0.00031; 1000 Genomes Project 0.00040; gnomAD 0.00046; ExAC 0.00053; gnomAD exomes 0.00060 and 0.00014; TOPMed 0.00068; ESP Exome Variant Server 0.00023.

Submissions (3):

Labcorp Genetics (formerly Invitae), Labcorp
Classification: Likely benign. Last evaluated: 2025-10-27. Review status: criteria provided, single submitter. Criteria: Invitae Variant Classification Sherloc (09022015). Collection method: clinical testing. Allele origin: germline.

Breakthrough Genomics
Classification: Likely benign. Review status: criteria provided, single submitter. Criteria: ACMG Guidelines, 2015. Collection method: not provided. Allele origin: germline. Inheritance: Autosomal recessive inheritance. Affected: yes.

PreventionGenetics, part of Exact Sciences
Classification: Likely benign for PSMC3IP-related condition. Last evaluated: 2022-11-07. Review status: no assertion criteria provided. Collection method: clinical testing. Allele origin: germline. Not counted in ClinVar's aggregate classification.
Comment: This variant is classified as likely benign based on ACMG/AMP sequence variant interpretation guidelines (Richards et al. 2015 PMID: 25741868, with internal and published modifications).